The following is an entry in ClinVar:

NM_001378457.1(DMXL2):c.8740C>G (p.Leu2914Val)

Gene: DMXL2 (Dmx like 2; minus strand). Cytogenetic location: 15q21.2.
Variant type: single nucleotide variant.
Coding change: c.8740C>G on transcript NM_001378457.1 (MANE Select); coding-DNA position 8740, C replaced by G.
Protein change: p.Leu2914Val; replaces leucine 2914 with valine.
Molecular consequence: missense variant. On other transcripts: non-coding transcript variant (1).
Genome position (GRCh38, 1-based): chr15:51,451,654, G>C on the plus strand (C>G on the coding strand, the complement: DMXL2 is on the minus strand). VCF-style: chr15-51451654-G-C. GRCh37 (hg19) VCF-style: chr15-51743851-G-C.
Other names: c.8677C>G, p.Leu2893Val (NM_001174116.3); c.6766C>G, p.Leu2256Val (NM_001174117.3); c.8737C>G, p.Leu2913Val (NM_001378458.1); c.8452C>G, p.Leu2818Val (NM_001378459.1); c.6655C>G, p.Leu2219Val (NM_001378460.1); c.8674C>G, p.Leu2892Val (NM_015263.5); short protein forms L2914V, L2913V, L2818V, L2892V, L2219V, L2256V, L2893V.
Identifiers: ClinVar variation 2054321 (VCV002054321.4), dbSNP rs1453956330, ClinGen allele CA392430297.

ClinVar aggregate classification (germline): Uncertain significance (1 of 4 stars; one submission).

Allele frequency attached by ClinVar (database versions not stated): TOPMed below 0.00001.

Submission:

Labcorp Genetics (formerly Invitae), Labcorp
Classification: Uncertain significance. Last evaluated: 2021-12-23. Review status: criteria provided, single submitter. Criteria: Invitae Variant Classification Sherloc (09022015). Collection method: clinical testing. Allele origin: germline.
Comment: In summary, the available evidence is currently insufficient to determine the role of this variant in disease. Therefore, it has been classified as a Variant of Uncertain Significance. Algorithms developed to predict the effect of missense changes on protein structure and function (SIFT, PolyPhen-2, Align-GVGD) all suggest that this variant is likely to be tolerated. This variant has not been reported in the literature in individuals affected with DMXL2-related conditions. This variant is not present in population databases (gnomAD no frequency). This sequence change replaces leucine, which is neutral and non-polar, with valine, which is neutral and non-polar, at codon 2893 of the DMXL2 protein (p.Leu2893Val).